The following is an entry in ClinVar:

NM_001036.6(RYR3):c.7411C>T (p.Leu2471Phe)

Gene: RYR3 (ryanodine receptor 3; plus strand). Cytogenetic location: 15q14.
Variant type: single nucleotide variant.
Coding change: c.7411C>T on transcript NM_001036.6 (MANE Select); coding-DNA position 7411, C replaced by T.
Protein change: p.Leu2471Phe; replaces leucine 2471 with phenylalanine.
Molecular consequence: missense variant.
Genome position (GRCh38, 1-based): chr15:33,731,681, C>T. VCF-style: chr15-33731681-C-T. GRCh37 (hg19) VCF-style: chr15-34023882-C-T.
Other names: c.7411C>T, p.Leu2471Phe (NM_001243996.4); short protein forms L2471F.
Identifiers: ClinVar variation 961564 (VCV000961564.9), dbSNP rs1313404758, ClinGen allele CA391579504.

ClinVar aggregate classification (germline): Uncertain significance (1 of 4 stars; one submission).

Conditions:
Epileptic encephalopathy. Identifiers: MedGen C0543888, HP:0200134.

Allele frequency attached by ClinVar (database versions not stated): TOPMed below 0.00001.

Submission:

Labcorp Genetics (formerly Invitae), Labcorp
Classification: Uncertain significance for Epileptic encephalopathy. Last evaluated: 2020-03-03. Review status: criteria provided, single submitter. Criteria: Invitae Variant Classification Sherloc (09022015). Collection method: clinical testing. Allele origin: germline.
Comment: In summary, the available evidence is currently insufficient to determine the role of this variant in disease. Therefore, it has been classified as a Variant of Uncertain Significance. Algorithms developed to predict the effect of missense changes on protein structure and function are either unavailable or do not agree on the potential impact of this missense change (SIFT: "Deleterious"; PolyPhen-2: "Probably Damaging"; Align-GVGD: "Class C15"). This variant has not been reported in the literature in individuals with RYR3-related conditions. This variant is not present in population databases (ExAC no frequency). This sequence change replaces leucine with phenylalanine at codon 2471 of the RYR3 protein (p.Leu2471Phe). The leucine residue is highly conserved and there is a small physicochemical difference between leucine and phenylalanine.